The following is an entry in ClinVar:

NM_007129.5(ZIC2):c.260G>A (p.Gly87Asp)

Gene: ZIC2 (Zic family zinc finger 2; plus strand). Cytogenetic location: 13q32.3.
Variant type: single nucleotide variant.
Coding change: c.260G>A on transcript NM_007129.5 (MANE Select); coding-DNA position 260, G replaced by A.
Protein change: p.Gly87Asp; replaces glycine 87 with aspartic acid.
Molecular consequence: missense variant.
Genome position (GRCh38, 1-based): chr13:99,982,324, G>A. VCF-style: chr13-99982324-G-A. GRCh37 (hg19) VCF-style: chr13-100634578-G-A.
Other names: short protein forms G87D.
Identifiers: ClinVar variation 1413309 (VCV001413309.8), dbSNP rs1230397352, ClinGen allele CA388636901.

ClinVar aggregate classification (germline): Uncertain significance (1 of 4 stars; one submission).

Conditions:
Holoprosencephaly 5 (HPE5). Identifiers: Orphanet 2162, MedGen C1864827, MONDO:0012322, OMIM 609637.

gnomAD v4.1: 23 of 1,467,050 alleles (0.0016%); highest among the groups gnomAD compares: Non-Finnish European, 0.0019%; no homozygotes.

Submission:

Labcorp Genetics (formerly Invitae), Labcorp
Classification: Uncertain significance for Holoprosencephaly 5. Last evaluated: 2021-06-28. Review status: criteria provided, single submitter. Criteria: Invitae Variant Classification Sherloc (09022015). Collection method: clinical testing. Allele origin: germline.
Comment: In summary, the available evidence is currently insufficient to determine the role of this variant in disease. Therefore, it has been classified as a Variant of Uncertain Significance. Algorithms developed to predict the effect of missense changes on protein structure and function are either unavailable or do not agree on the potential impact of this missense change (SIFT: "Deleterious"; PolyPhen-2: "Not Available"; Align-GVGD: "Class C0"). This variant has not been reported in the literature in individuals with ZIC2-related conditions. The frequency data for this variant in the population databases is considered unreliable, as metrics indicate insufficient coverage at this position in the ExAC database. This sequence change replaces glycine with aspartic acid at codon 87 of the ZIC2 protein (p.Gly87Asp). The glycine residue is moderately conserved and there is a moderate physicochemical difference between glycine and aspartic acid.